The following is an entry in ClinVar:

NM_001203.3(BMPR1B):c.347G>C (p.Arg116Thr)

Gene: BMPR1B (bone morphogenetic protein receptor type 1B; plus strand). Cytogenetic location: 4q22.3.
Variant type: single nucleotide variant.
Coding change: c.347G>C on transcript NM_001203.3 (MANE Select); coding-DNA position 347, G replaced by C.
Protein change: p.Arg116Thr; replaces arginine 116 with threonine.
Molecular consequence: missense variant.
Genome position (GRCh38, 1-based): chr4:95,115,785, G>C. VCF-style: chr4-95115785-G-C. GRCh37 (hg19) VCF-style: chr4-96036936-G-C.
Other names: c.347G>C, p.Arg116Thr (NM_001256792.2, NM_001256794.1); c.437G>C, p.Arg146Thr (NM_001256793.2); short protein forms R146T, R116T.
Identifiers: ClinVar variation 4794479 (VCV004794479.1).

ClinVar aggregate classification (germline): Uncertain significance (1 of 4 stars; one submission).

Conditions:
Acromesomelic dysplasia 3 (AMD3). Also called: CHONDRODYSPLASIA, ACROMESOMELIC, WITH OR WITHOUT GENITAL ANOMALIES; Acromesomelic dysplasia, Demirhan type. Identifiers: MedGen C4225404, MONDO:0012274, OMIM 609441.
Type A2 brachydactyly (BDA2). Also called: Brachymesophalangy type 2; MOHR-WRIEDT TYPE BRACHYDACTYLY; BRACHYMESOPHALANGY II. Identifiers: Orphanet 93396, MedGen C1832702, MONDO:0007216, OMIM 112600, HP:0009372.

gnomAD v4.1: 4 of 1,608,024 alleles (0.00025%); highest among the groups gnomAD compares: Non-Finnish European, 0.00026%; no homozygotes.

Submission:

Labcorp Genetics (formerly Invitae), Labcorp
Classification: Uncertain significance for Type A2 brachydactyly; Acromesomelic dysplasia 3. Last evaluated: 2025-09-02. Review status: criteria provided, single submitter. Criteria: Invitae Variant Classification Sherloc (09022015). Collection method: clinical testing. Allele origin: germline.
Comment: This sequence change replaces arginine, which is basic and polar, with threonine, which is neutral and polar, at codon 116 of the BMPR1B protein (p.Arg116Thr). This variant is not present in population databases (gnomAD no frequency). This variant has not been reported in the literature in individuals affected with BMPR1B-related conditions. An algorithm developed to predict the effect of missense changes on protein structure and function (PolyPhen-2) suggests that this variant is likely to be tolerated. In summary, the available evidence is currently insufficient to determine the role of this variant in disease. Therefore, it has been classified as a Variant of Uncertain Significance.